The following is an entry in ClinVar:

NM_001374828.1(ARID1B):c.851A>G (p.Glu284Gly)

Genes: ARID1B (AT-rich interaction domain 1B; plus strand), LOC129997525 (ATAC-STARR-seq lymphoblastoid silent region 17712; plus strand). Cytogenetic location: 6q25.3.
Variant type: single nucleotide variant.
Coding change: c.851A>G on transcript NM_001374828.1 (MANE Select); coding-DNA position 851, A replaced by G.
Protein change: p.Glu284Gly; replaces glutamic acid 284 with glycine.
Molecular consequence: missense variant.
Genome position (GRCh38, 1-based): chr6:156,778,531, A>G. VCF-style: chr6-156778531-A-G. GRCh37 (hg19) VCF-style: chr6-157099665-A-G.
Other names: c.851A>G, p.Glu284Gly (NM_001371656.1, NM_001374820.1, NM_001438482.1 and 9 more transcripts); short protein forms E284G.
Identifiers: ClinVar variation 4976308 (VCV004976308.1).
Genomic context (GRCh38, chr6:156,778,531, plus strand): 5'-AGCCGGGCGACGAGGACGACGCGCCGCCCAAGATGGGGGAGCCGGCGGGCGGCCGCTACG[A>G]GCACCCGGGCTTGGGCGCCCTGGGCACGCAGCAGCCGCCGGTCGCCGTGCCCGGGGGCGG-3'
Protein context (NP_001361757.1, residues 274-294): KMGEPAGGRY[Glu284Gly]HPGLGALGTQ

ClinVar aggregate classification (germline): Uncertain significance (1 of 4 stars; one submission).

gnomAD v4.1: 1 of 1,231,322 alleles (0.000081%); highest among the groups gnomAD compares: South Asian, 0.0037%; no homozygotes.

Submission:

GeneDx
Classification: Uncertain significance. Last evaluated: 2026-02-06. Review status: criteria provided, single submitter. Criteria: GeneDx Variant Classification Process June 2021. Collection method: clinical testing. Allele origin: germline.
Comment: Not observed at significant frequency in large population cohorts (gnomAD); In silico analysis suggests that this missense variant does not alter protein structure/function; Has not been previously published as pathogenic or benign to our knowledge